The following is an entry in ClinVar:

NM_006445.4(PRPF8):c.316A>G (p.Met106Val)

Gene: PRPF8 (pre-mRNA processing factor 8; minus strand). Cytogenetic location: 17p13.3.
Variant type: single nucleotide variant.
Coding change: c.316A>G on transcript NM_006445.4 (MANE Select); coding-DNA position 316, A replaced by G.
Protein change: p.Met106Val; replaces methionine 106 with valine.
Molecular consequence: missense variant.
Genome position (GRCh38, 1-based): chr17:1,682,247, T>C on the plus strand (A>G on the coding strand, the complement: PRPF8 is on the minus strand). VCF-style: chr17-1682247-T-C. GRCh37 (hg19) VCF-style: chr17-1585541-T-C.
Other names: short protein forms M106V.
Identifiers: ClinVar variation 4527683 (VCV004527683.1).

ClinVar aggregate classification (germline): Uncertain significance (1 of 4 stars; one submission).

Submission:

GeneDx
Classification: Uncertain significance. Last evaluated: 2025-04-29. Review status: criteria provided, single submitter. Criteria: GeneDx Variant Classification Process June 2021. Collection method: clinical testing. Allele origin: germline. Affected: yes.
Comment: Not observed at significant frequency in large population cohorts (gnomAD); In silico analysis supports that this missense variant has a deleterious effect on protein structure/function; Has not been previously published as pathogenic or benign to our knowledge